The following is an entry in ClinVar:

ClinVar aggregate classification (germline): Conflicting classifications of pathogenicity. Review status: criteria provided, conflicting classifications (1 of 4 stars). 6 submissions from 6 submitters: Uncertain significance (3); Likely benign (3). Last evaluated 2026-06-01.

Conditions:
Early-infantile DEE. Also called: Ohtahara syndrome; Early infantile epileptic encephalopathy; Early infantile epileptic encephalopathy with suppression bursts. Identifiers: Orphanet 1934, MedGen C0393706, MONDO:0800491.
Developmental and epileptic encephalopathy, 5 (DEE5). Identifiers: Orphanet 3451, MedGen C3150731, MONDO:0013277, OMIM 613477.
Lymphedema. Also called: Lymphoedema. Identifiers: MedGen C0024236, MONDO:0019297, HP:0001004.

Allele frequency attached by ClinVar (database versions not stated): ExAC 0.00003; gnomAD exomes 0.00003 and 0.00002; gnomAD 0.00004 and 0.00005; TOPMed 0.00005; 1000 Genomes Project 30x 0.00016; 1000 Genomes Project 0.00020.

Submissions (6):

CeGaT Center for Human Genetics Tuebingen
Classification: Likely benign. Last evaluated: 2026-06-01. Review status: criteria provided, single submitter. Criteria: CeGaT Center For Human Genetics Tuebingen Variant Classification Criteria Version 2. Collection method: clinical testing. Allele origin: germline. Affected: yes. Observed: 1 variant allele.
Comment: SPTAN1: BS1

Labcorp Genetics (formerly Invitae), Labcorp
Classification: Uncertain significance for Early-infantile DEE. Last evaluated: 2026-01-26. Review status: criteria provided, single submitter. Criteria: Invitae Variant Classification Sherloc (09022015). Collection method: clinical testing. Allele origin: germline.
Comment: This sequence change replaces asparagine, which is neutral and polar, with serine, which is neutral and polar, at codon 1260 of the SPTAN1 protein (p.Asn1260Ser). This variant is present in population databases (rs552623597, gnomAD 0.02%). This variant has not been reported in the literature in individuals affected with SPTAN1-related conditions. ClinVar contains an entry for this variant (Variation ID: 207374). Invitae Evidence Modeling of protein sequence and biophysical properties (such as structural, functional, and spatial information, amino acid conservation, physicochemical variation, residue mobility, and thermodynamic stability) has been performed for this missense variant. However, the output from this modeling did not meet the statistical confidence thresholds required to predict the impact of this variant on SPTAN1 protein function. In summary, the available evidence is currently insufficient to determine the role of this variant in disease. Therefore, it has been classified as a Variant of Uncertain Significance.

Blueprint Genetics
Classification: Likely benign. Last evaluated: 2024-05-09. Review status: criteria provided, single submitter. Criteria: ACMG Guidelines, 2015. Collection method: clinical testing. Allele origin: germline.

Genome-Nilou Lab
Classification: Uncertain significance for Developmental and epileptic encephalopathy, 5. Last evaluated: 2021-07-15. Review status: criteria provided, single submitter. Criteria: ACMG Guidelines, 2015. Collection method: clinical testing. Allele origin: germline. Affected: no.

Cambridge Genomics Laboratory, East Genomic Laboratory Hub, NHS Genomic Medicine Service
Classification: Likely benign for Lymphedema. Last evaluated: 2019-09-09. Review status: criteria provided, single submitter. Criteria: ACGS Best Practice Guidelines for Variant Classification in Rare Disease 2020. Collection method: clinical testing. Allele origin: germline. Affected: yes. Observed: 1 variant allele.

GeneDx
Classification: Uncertain significance. Last evaluated: 2015-01-13. Review status: criteria provided, single submitter. Criteria: GeneDx Variant Classification (06012015). Collection method: clinical testing. Allele origin: germline. Affected: yes.
Comment: p.Asn1260Ser (N1260S) AAT>AGT: c.3779 A>G in exon 30 of the SPTAN1 gene (NM_001130438.2) The N1260S variant has not been published as a mutation, nor has it been reported as a benign polymorphism to our knowledge. It was not observed in approximately 6,500 individuals of European and African American ancestry in the NHLBI Exome Sequencing Project, indicating it is not a common benign variant in these populations. The N1260S variant is a conservative amino acid substitution, which is not likely to impact secondary protein structure as these residues share similar properties. This substitution alters a position in the predicted fourteenth spectrin repeat of the SPTAN1 protein that is conserved in mammals; however, Serine is observed at this position in one species in distant evolution. Additionally, previously reported pathogenic mutations in SPTAN1 include in-frame deletions or duplications located within the last four spectrin repeats of the protein, which are essential for dimerization (Saitsu et al., 2010), and the N1260 residue is outside this region. In silico analysis is inconsistent in its predictions as to whether or not the variant is damaging to the protein structure/function. The variant is found in INFANT-EPI panel(s).

NM_001130438.3(SPTAN1):c.3779A>G (p.Asn1260Ser)

Gene: SPTAN1 (spectrin alpha, non-erythrocytic 1; plus strand). Cytogenetic location: 9q34.11.
Variant type: single nucleotide variant.
Coding change: c.3779A>G on transcript NM_001130438.3 (MANE Select); coding-DNA position 3779, A replaced by G.
Protein change: p.Asn1260Ser; replaces asparagine 1260 with serine.
Molecular consequence: missense variant.
Genome position (GRCh38, 1-based): chr9:128,605,093, A>G. VCF-style: chr9-128605093-A-G. GRCh37 (hg19) VCF-style: chr9-131367372-A-G.
Other names: p.N1260S:AAT>AGT; c.3719A>G, p.Asn1240Ser (NM_001195532.2, NM_001363765.2); c.3779A>G, p.Asn1260Ser (NM_001363759.2, NM_003127.4); short protein forms N1260S, N1240S.
Identifiers: ClinVar variation 207374 (VCV000207374.17), dbSNP rs552623597, ClinGen allele CA318776.